The following is an entry in ClinVar:

ClinVar aggregate classification (germline): Uncertain significance (1 of 4 stars; one submission).

Submission:

Labcorp Genetics (formerly Invitae), Labcorp
Classification: Uncertain significance. Last evaluated: 2023-01-28. Review status: criteria provided, single submitter. Criteria: Invitae Variant Classification Sherloc (09022015). Collection method: clinical testing. Allele origin: unknown.
Comment: In summary, the available evidence is currently insufficient to determine the role of this variant in disease. Therefore, it has been classified as a Variant of Uncertain Significance. This variant has not been reported in the literature in individuals affected with MSH3-related conditions. This variant results in a copy number gain of the genomic region encompassing exon(s) 3-24 of the MSH3 gene. This region includes the termination codon of the gene. This copy number gain extends beyond the assayed region for this gene and therefore may encompass additional genes. As the precise location of this event is unknown, it may be in tandem or it may be located elsewhere in the genome.

NC_000005.9:g.(?_79960952)_(80171681_?)dup

Gene: MSH3 (mutS homolog 3; plus strand). Cytogenetic location: 5q14.1.
Variant type: Duplication.
Identifiers: ClinVar variation 3246497 (VCV003246497.1).